The following is an entry in ClinVar:

NM_001377458.1(CLCC1):c.1124G>A (p.Arg375Gln)

Gene: CLCC1 (chloride channel CLIC like 1; minus strand). Cytogenetic location: 1p13.3.
Variant type: single nucleotide variant.
Coding change: c.1124G>A on transcript NM_001377458.1 (MANE Select); coding-DNA position 1124, G replaced by A.
Protein change: p.Arg375Gln; replaces arginine 375 with glutamine.
Molecular consequence: missense variant. On other transcripts: non-coding transcript variant (1).
Genome position (GRCh38, 1-based): chr1:108,937,336, C>T on the plus strand (G>A on the coding strand, the complement: CLCC1 is on the minus strand). VCF-style: chr1-108937336-C-T. GRCh37 (hg19) VCF-style: chr1-109479958-C-T.
Other names: c.1124G>A, p.Arg375Gln (NM_001048210.3, NM_001377459.1, NM_001377460.1 and 8 more transcripts); c.761G>A, p.Arg254Gln (NM_001278202.2); c.569G>A, p.Arg190Gln (NM_001278203.1); c.1022G>A, p.Arg341Gln (NM_001377469.1); c.833G>A, p.Arg278Gln (NM_001377470.1); c.974G>A, p.Arg325Gln (NM_015127.5); short protein forms R325Q, R254Q, R341Q, R190Q, R278Q, R375Q.
Identifiers: ClinVar variation 1398410 (VCV001398410.3), dbSNP rs139828068, ClinGen allele CA983391.

ClinVar aggregate classification (germline): Uncertain significance (1 of 4 stars; one submission).

Allele frequency attached by ClinVar (database versions not stated): gnomAD exomes 0.00002; ExAC 0.00003; TOPMed 0.00013; ESP Exome Variant Server 0.00015; gnomAD 0.00015 and 0.00017.
gnomAD v4.1: 45 of 1,614,044 alleles (0.0028%); highest among the groups gnomAD compares: African/African-American, 0.051%; no homozygotes.

Submission:

Labcorp Genetics (formerly Invitae), Labcorp
Classification: Uncertain significance. Last evaluated: 2022-07-06. Review status: criteria provided, single submitter. Criteria: Invitae Variant Classification Sherloc (09022015). Collection method: clinical testing. Allele origin: germline.
Comment: This sequence change replaces arginine, which is basic and polar, with glutamine, which is neutral and polar, at codon 375 of the CLCC1 protein (p.Arg375Gln). This variant is present in population databases (rs139828068, gnomAD 0.02%). This variant has not been reported in the literature in individuals affected with CLCC1-related conditions. ClinVar contains an entry for this variant (Variation ID: 1398410). Algorithms developed to predict the effect of missense changes on protein structure and function output the following: SIFT: "Tolerated"; PolyPhen-2: "Benign"; Align-GVGD: "Class C0". The glutamine amino acid residue is found in multiple mammalian species, which suggests that this missense change does not adversely affect protein function. In summary, the available evidence is currently insufficient to determine the role of this variant in disease. Therefore, it has been classified as a Variant of Uncertain Significance.